The following is an entry in ClinVar:

ClinVar aggregate classification (germline): Pathogenic/Likely pathogenic. Review status: criteria provided, multiple submitters, no conflicts (2 of 4 stars). 3 submissions from 3 submitters: Pathogenic (1); Likely pathogenic (2). Last evaluated 2025-04-04.

Conditions:
COL11A2-related disorder. Also called: COL11A2-related condition; COL11A2-related disorders.

Allele frequency attached by ClinVar (database versions not stated): gnomAD exomes below 0.00001 and 0.00001.
gnomAD v4.1: 6 of 1,614,032 alleles (0.00037%); highest among the groups gnomAD compares: East Asian, 0.0022%; no homozygotes.

Submissions (3):

Revvity Omics, Revvity
Classification: Likely pathogenic. Last evaluated: 2025-04-04. Review status: criteria provided, single submitter. Criteria: ACMG Guidelines, 2015. Collection method: clinical testing. Allele origin: germline.

Labcorp Genetics (formerly Invitae), Labcorp
Classification: Pathogenic. Last evaluated: 2023-06-18. Review status: criteria provided, single submitter. Criteria: Invitae Variant Classification Sherloc (09022015). Collection method: clinical testing. Allele origin: germline.
Comment: ClinVar contains an entry for this variant (Variation ID: 1455992). For these reasons, this variant has been classified as Pathogenic. This variant has not been reported in the literature in individuals affected with COL11A2-related conditions. This variant is present in population databases (no rsID available, gnomAD 0.006%). This sequence change creates a premature translational stop signal (p.Arg852*) in the COL11A2 gene. It is expected to result in an absent or disrupted protein product. Loss-of-function variants in COL11A2 are known to be pathogenic (PMID: 10677296, 21204229).

PreventionGenetics, part of Exact Sciences
Classification: Likely pathogenic for COL11A2-related condition. Last evaluated: 2023-02-13. Review status: criteria provided, single submitter. Criteria: ACMG Guidelines, 2015. Collection method: clinical testing. Allele origin: germline.
Comment: The COL11A2 c.2554C>T variant is predicted to result in premature protein termination (p.Arg852*). To our knowledge, this variant has not been reported in the literature. This variant is reported in 0.0054% of alleles in individuals of East Asian descent in gnomAD. Nonsense variants in COL11A2 are expected to be pathogenic. This variant is interpreted as likely pathogenic.

Literature cited by the submitters: PubMed 10677296 (cited by Labcorp Genetics (formerly Invitae), Labcorp); PubMed 21204229 (cited by Labcorp Genetics (formerly Invitae), Labcorp).

NM_080680.3(COL11A2):c.2554C>T (p.Arg852Ter)

Gene: COL11A2 (collagen type XI alpha 2 chain; minus strand). Cytogenetic location: 6p21.32.
Variant type: single nucleotide variant.
Coding change: c.2554C>T on transcript NM_080680.3 (MANE Select); coding-DNA position 2554, C replaced by T.
Protein change: p.Arg852Ter; replaces arginine 852 with a stop codon.
Molecular consequence: nonsense.
Genome position (GRCh38, 1-based): chr6:33,173,902, G>A on the plus strand (C>T on the coding strand, the complement: COL11A2 is on the minus strand). VCF-style: chr6-33173902-G-A. GRCh37 (hg19) VCF-style: chr6-33141679-G-A.
Other names: c.2554C>T (NM_080680.2); c.2233C>T, p.Arg745Ter (NM_080679.3); c.2296C>T, p.Arg766Ter (NM_080681.3); short protein forms R745*, R766*, R852*.
Identifiers: ClinVar variation 1455992 (VCV001455992.8), dbSNP rs1387164225, ClinGen allele CA363643047.